The following is an entry in ClinVar:

ClinVar aggregate classification (germline): Uncertain significance (1 of 4 stars; one submission).

Conditions:
Cohen-Gibson syndrome (COGIS). Also called: EED-Related Overgrowth. Identifiers: Orphanet 659396, MedGen C4479654, MONDO:0060510, OMIM 617561.

Submission:

Juno Genomics, Hangzhou Juno Genomics, Inc
Classification: Uncertain significance for Cohen-Gibson syndrome. Review status: criteria provided, single submitter. Criteria: ACMG Guidelines, 2015. Collection method: clinical testing. Allele origin: germline.
Comment: Absent from controls (or at extremely low frequency if recessive) in Genome Aggregation Database.;Protein length changes due to in-frame deletions/insertions in a non-repeat region or stop-loss variants.

NM_003797.5(EED):c.15_41dup (p.Thr13_Asp14insGluValSerThrAlaProAlaGlyThr)

Gene: EED (embryonic ectoderm development; plus strand). Cytogenetic location: 11q14.2.
Variant type: Duplication.
Coding change: c.15_41dup on transcript NM_003797.5 (MANE Select); coding-DNA positions 15 to 41, 27 bases duplicated (AGTGTCGACTGCGCCGGCGGGAACAGA).
Protein change: p.Thr13_Asp14insGluValSerThrAlaProAlaGlyThr.
Molecular consequence: inframe insertion.
Genome position (GRCh38, 1-based): chr11:86,245,244-86,245,270, AGTGTCGACTGCGCCGGCGGGAACAGA duplicated; duplicating any 27 consecutive bases within chr11:86,245,242-86,245,270 gives the same sequence; the c. name uses the placement nearest the transcript's 3' end. VCF-style (leftmost placement, unchanged base first): chr11-86245241-G-GGAAGTGTCGACTGCGCCGGCGGGAACA. GRCh37 (hg19) VCF-style: chr11-85956283-G-GGAAGTGTCGACTGCGCCGGCGGGAACA.
Other names: c.15_41dup, p.Thr13_Asp14insGluValSerThrAlaProAlaGlyThr (NM_001308007.2, NM_001440599.1, NM_001440600.1 and 15 more transcripts).
Identifiers: ClinVar variation 5018941 (VCV005018941.2).